The following is an entry in ClinVar:

NM_003361.4(UMOD):c.842A>G (p.Glu281Gly)

Gene: UMOD (uromodulin; minus strand). Cytogenetic location: 16p12.3.
Variant type: single nucleotide variant.
Coding change: c.842A>G on transcript NM_003361.4 (MANE Select); coding-DNA position 842, A replaced by G.
Protein change: p.Glu281Gly; replaces glutamic acid 281 with glycine.
Molecular consequence: missense variant. On other transcripts: non-coding transcript variant (1).
Genome position (GRCh38, 1-based): chr16:20,348,459, T>C on the plus strand (A>G on the coding strand, the complement: UMOD is on the minus strand). VCF-style: chr16-20348459-T-C. GRCh37 (hg19) VCF-style: chr16-20359781-T-C.
Other names: c.842A>G, p.Glu281Gly (NM_001008389.3, NM_001378232.1, NM_001378233.1 and 3 more transcripts); c.941A>G, p.Glu314Gly (NM_001278614.2); short protein forms E281G, E314G.
Identifiers: ClinVar variation 1913500 (VCV001913500.6), dbSNP rs543775691, ClinGen allele CA7939393.

ClinVar aggregate classification (germline): Uncertain significance. Review status: criteria provided, multiple submitters, no conflicts (2 of 4 stars). 2 submissions from 2 submitters: Uncertain significance (2). Last evaluated 2022-04-21.

Allele frequency attached by ClinVar (database versions not stated): gnomAD 0.00002; TOPMed 0.00003; ExAC 0.00006; 1000 Genomes Project 0.00020; 1000 Genomes Project 30x 0.00031.

Submissions (2):

Labcorp Genetics (formerly Invitae), Labcorp
Classification: Uncertain significance. Last evaluated: 2022-04-21. Review status: criteria provided, single submitter. Criteria: Invitae Variant Classification Sherloc (09022015). Collection method: clinical testing. Allele origin: germline.
Comment: This sequence change replaces glutamic acid, which is acidic and polar, with glycine, which is neutral and non-polar, at codon 281 of the UMOD protein (p.Glu281Gly). This variant is present in population databases (rs543775691, gnomAD 0.05%), and has an allele count higher than expected for a pathogenic variant. This variant has not been reported in the literature in individuals affected with UMOD-related conditions. Algorithms developed to predict the effect of missense changes on protein structure and function (SIFT, PolyPhen-2, Align-GVGD) all suggest that this variant is likely to be tolerated. In summary, the available evidence is currently insufficient to determine the role of this variant in disease. Therefore, it has been classified as a Variant of Uncertain Significance.

Breakthrough Genomics
Classification: Uncertain significance. Review status: criteria provided, single submitter. Criteria: ACMG Guidelines, 2015. Collection method: not provided. Allele origin: germline. Inheritance: Autosomal dominant inheritance. Affected: yes.